The following is an entry in ClinVar:

NM_182914.3(SYNE2):c.907A>G (p.Met303Val)

Gene: SYNE2 (spectrin repeat containing nuclear envelope protein 2; plus strand). Cytogenetic location: 14q23.2.
Variant type: single nucleotide variant.
Coding change: c.907A>G on transcript NM_182914.3 (MANE Select); coding-DNA position 907, A replaced by G.
Protein change: p.Met303Val; replaces methionine 303 with valine.
Molecular consequence: missense variant.
Genome position (GRCh38, 1-based): chr14:63,963,917, A>G. VCF-style: chr14-63963917-A-G. GRCh37 (hg19) VCF-style: chr14-64430635-A-G.
Other names: c.907A>G, p.Met303Val (NM_015180.6); short protein forms M303V.
Identifiers: ClinVar variation 283946 (VCV000283946.13), dbSNP rs377535370, ClinGen allele CA7219272.

ClinVar aggregate classification (germline): Conflicting classifications of pathogenicity. Review status: criteria provided, conflicting classifications (1 of 4 stars). 4 submissions from 4 submitters: Uncertain significance (2); Likely benign (2). Last evaluated 2025-08-21.

Conditions:
Emery-Dreifuss muscular dystrophy 5, autosomal dominant (EDMD5). Also called: EMERY-DREIFUSS MUSCULAR DYSTROPHY 5. Identifiers: Orphanet 261, MedGen C2751805, MONDO:0013072, OMIM 612999.

Allele frequency attached by ClinVar (database versions not stated): ExAC 0.00008; gnomAD 0.00008 and 0.00009; ESP Exome Variant Server 0.00009; TOPMed 0.00009.
gnomAD v4.1: 352 of 1,612,504 alleles (0.022%); highest among the groups gnomAD compares: Non-Finnish European, 0.028%; no homozygotes.

Submissions (4):

Labcorp Genetics (formerly Invitae), Labcorp
Classification: Uncertain significance for Emery-Dreifuss muscular dystrophy 5, autosomal dominant. Last evaluated: 2025-08-21. Review status: criteria provided, single submitter. Criteria: Invitae Variant Classification Sherloc (09022015). Collection method: clinical testing. Allele origin: germline.
Comment: This sequence change replaces methionine, which is neutral and non-polar, with valine, which is neutral and non-polar, at codon 303 of the SYNE2 protein (p.Met303Val). This variant is present in population databases (rs377535370, gnomAD 0.02%). This variant has not been reported in the literature in individuals affected with SYNE2-related conditions. ClinVar contains an entry for this variant (Variation ID: 283946). An algorithm developed to predict the effect of missense changes on protein structure and function outputs the following: PolyPhen-2: "Benign". The valine amino acid residue is found in multiple mammalian species, which suggests that this missense change does not adversely affect protein function. In summary, the available evidence is currently insufficient to determine the role of this variant in disease. Therefore, it has been classified as a Variant of Uncertain Significance.

Ambry Genetics
Classification: Likely benign. Last evaluated: 2025-07-02. Review status: criteria provided, single submitter. Criteria: Ambry Variant Classification Scheme 2023. Collection method: clinical testing. Allele origin: germline.

Illumina Laboratory Services, Illumina
Classification: Likely benign for Emery-Dreifuss muscular dystrophy 5, autosomal dominant. Last evaluated: 2018-01-13. Review status: criteria provided, single submitter. Criteria: ICSL Variant Classification Criteria 13 December 2019. Collection method: clinical testing. Allele origin: germline.
Comment: This variant was observed in the ICSL laboratory as part of a predisposition screen in an ostensibly healthy population. It had not been previously curated by ICSL or reported in the Human Gene Mutation Database (HGMD: prior to June 1st, 2018), and was therefore a candidate for classification through an automated scoring system. Utilizing variant allele frequency, disease prevalence and penetrance estimates, and inheritance mode, an automated score was calculated to assess if this variant is too frequent to cause the disease. Based on the score and internal cut-off values, a variant classified as likely benign is not then subjected to further curation. The score for this variant resulted in a classification of likely benign for this disease.

Eurofins Ntd Llc (ga)
Classification: Uncertain significance. Last evaluated: 2015-10-15. Review status: criteria provided, single submitter. Criteria: EGL Classification Definitions 2015. Collection method: clinical testing. Allele origin: germline. Observed: 1 variant allele, 1 heterozygote.